The following is an entry in ClinVar:

NM_001844.5(COL2A1):c.2222G>A (p.Gly741Glu)

Gene: COL2A1 (collagen type II alpha 1 chain; minus strand). Cytogenetic location: 12q13.11.
Variant type: single nucleotide variant.
Coding change: c.2222G>A on transcript NM_001844.5 (MANE Select); coding-DNA position 2222, G replaced by A.
Protein change: p.Gly741Glu; replaces glycine 741 with glutamic acid.
Molecular consequence: missense variant.
Genome position (GRCh38, 1-based): chr12:47,982,581, C>T on the plus strand (G>A on the coding strand, the complement: COL2A1 is on the minus strand). VCF-style: chr12-47982581-C-T. GRCh37 (hg19) VCF-style: chr12-48376364-C-T.
Other names: c.2015G>A, p.Gly672Glu (NM_033150.3); short protein forms G672E, G741E.
Identifiers: ClinVar variation 2831184 (VCV002831184.3), dbSNP rs2540134243, ClinGen allele CA384546233.

ClinVar aggregate classification (germline): Likely pathogenic (1 of 4 stars; one submission).

Submission:

Labcorp Genetics (formerly Invitae), Labcorp
Classification: Likely pathogenic. Last evaluated: 2024-09-23. Review status: criteria provided, single submitter. Criteria: Invitae Variant Classification Sherloc (09022015). Collection method: clinical testing. Allele origin: germline.
Comment: This sequence change replaces glycine, which is neutral and non-polar, with glutamic acid, which is acidic and polar, at codon 741 of the COL2A1 protein (p.Gly741Glu). This variant is not present in population databases (gnomAD no frequency). This variant has not been reported in the literature in individuals affected with COL2A1-related conditions. Invitae Evidence Modeling of protein sequence and biophysical properties (such as structural, functional, and spatial information, amino acid conservation, physicochemical variation, residue mobility, and thermodynamic stability) indicates that this missense variant is expected to disrupt COL2A1 protein function with a positive predictive value of 95%. This variant disrupts the triple helix domain of COL2A1. Glycine residues within the Gly-Xaa-Yaa repeats of the triple helix domain are required for the structure and stability of fibrillar collagens (PMID: 7695699, 8218237, 19344236). In COL2A1, variants affecting these glycine residues are significantly enriched in individuals with disease (PMID: 9016532, 17078022) compared to the general population (ExAC). In summary, the currently available evidence indicates that the variant is pathogenic, but additional data are needed to prove that conclusively. Therefore, this variant has been classified as Likely Pathogenic.

Literature cited by the submitters: PubMed 7695699; PubMed 8218237; PubMed 19344236; PubMed 9016532; PubMed 17078022.